The following is an entry in ClinVar:

ClinVar aggregate classification (germline): Likely benign. Review status: criteria provided, single submitter (1 of 4 stars). 2 submissions from 2 submitters: Likely benign (1). 1 of the submissions does not count toward it. Last evaluated 2025-11-01.

Conditions:
WDR45B-related disorder. Also called: WDR45B-related condition.

Allele frequency attached by ClinVar (database versions not stated): 1000 Genomes Project 30x 0.00265; TOPMed 0.00267; gnomAD exomes 0.00025; ExAC 0.00074; gnomAD 0.00215; ESP Exome Variant Server 0.00230; 1000 Genomes Project 0.00260.
gnomAD v4.1: 695 of 1,606,822 alleles (0.043%); highest among the groups gnomAD compares: African/African-American, 0.84%; 3 homozygotes.

Submissions (2):

CeGaT Center for Human Genetics Tuebingen
Classification: Likely benign. Last evaluated: 2025-11-01. Review status: criteria provided, single submitter. Criteria: CeGaT Center For Human Genetics Tuebingen Variant Classification Criteria Version 2. Collection method: clinical testing. Allele origin: germline. Affected: yes. Observed: 2 variant alleles.
Comment: WDR45B: BP4, BP7

PreventionGenetics, part of Exact Sciences
Classification: Benign for WDR45B-related condition. Last evaluated: 2019-03-05. Review status: no assertion criteria provided. Collection method: clinical testing. Allele origin: germline. Not counted in ClinVar's aggregate classification.
Comment: This variant is classified as benign based on ACMG/AMP sequence variant interpretation guidelines (Richards et al. 2015 PMID: 25741868, with internal and published modifications).

NM_019613.4(WDR45B):c.12G>A (p.Leu4=)

Gene: WDR45B (WD repeat domain 45B; minus strand). Cytogenetic location: 17q25.3.
Variant type: single nucleotide variant.
Coding change: c.12G>A on transcript NM_019613.4 (MANE Select); coding-DNA position 12, G replaced by A.
Protein change: p.Leu4=; no amino-acid change (leucine 4 retained).
Molecular consequence: synonymous variant.
Genome position (GRCh38, 1-based): chr17:82,648,329, C>T on the plus strand (G>A on the coding strand, the complement: WDR45B is on the minus strand). VCF-style: chr17-82648329-C-T. GRCh37 (hg19) VCF-style: chr17-80606205-C-T.
Other names: c.12G>A (NM_019613.3).
Identifiers: ClinVar variation 2648498 (VCV002648498.25), dbSNP rs200019465, ClinGen allele CA8860215.